The following is an entry in ClinVar:

NM_015241.3(MICAL3):c.5484G>C (p.Leu1828=)

Gene: MICAL3 (microtubule associated monooxygenase, calponin and LIM domain containing 3; minus strand). Cytogenetic location: 22q11.21.
Variant type: single nucleotide variant.
Coding change: c.5484G>C on transcript NM_015241.3 (MANE Select); coding-DNA position 5484, G replaced by C.
Protein change: p.Leu1828=; no amino-acid change (leucine 1828 retained).
Molecular consequence: synonymous variant.
Genome position (GRCh38, 1-based): chr22:17,810,775, C>G on the plus strand (G>C on the coding strand, the complement: MICAL3 is on the minus strand). VCF-style: chr22-17810775-C-G. GRCh37 (hg19) VCF-style: chr22-18293541-C-G.
Identifiers: ClinVar variation 2652843 (VCV002652843.24), dbSNP rs781511126, ClinGen allele CA10091250.

ClinVar aggregate classification (germline): Likely benign (1 of 4 stars; one submission).

Allele frequency attached by ClinVar (database versions not stated): gnomAD 0.00001; gnomAD exomes 0.00002; ExAC 0.00003.
gnomAD v4.1: 26 of 1,613,896 alleles (0.0016%); highest among the groups gnomAD compares: South Asian, 0.022%; no homozygotes.

Submission:

CeGaT Center for Human Genetics Tuebingen
Classification: Likely benign. Last evaluated: 2023-09-01. Review status: criteria provided, single submitter. Criteria: CeGaT Center For Human Genetics Tuebingen Variant Classification Criteria Version 2. Collection method: clinical testing. Allele origin: germline. Affected: yes. Observed: 1 variant allele.
Comment: MICAL3: BP4